The following is an entry in ClinVar:

NM_170754.4(TNS2):c.2217G>T (p.Leu739Phe)

Gene: TNS2 (tensin 2; plus strand). Cytogenetic location: 12q13.13.
Variant type: single nucleotide variant.
Coding change: c.2217G>T on transcript NM_170754.4 (MANE Select); coding-DNA position 2217, G replaced by T.
Protein change: p.Leu739Phe; replaces leucine 739 with phenylalanine.
Molecular consequence: missense variant.
Genome position (GRCh38, 1-based): chr12:53,059,858, G>T. VCF-style: chr12-53059858-G-T. GRCh37 (hg19) VCF-style: chr12-53453642-G-T.
Other names: c.2175G>T, p.Leu725Phe (NM_001416203.1); c.2244G>T, p.Leu748Phe (NM_001416204.1); c.2148G>T, p.Leu716Phe (NM_015319.3); c.1845G>T, p.Leu615Phe (NM_198316.2); c.2217G>T, p.Leu739Phe (NM_001416202.1); short protein forms L615F, L739F, L749F, L716F, L725F, L748F.
Identifiers: ClinVar variation 1973218 (VCV001973218.2), dbSNP rs1197797523, ClinGen allele CA385012872.

ClinVar aggregate classification (germline): Uncertain significance (1 of 4 stars; one submission).

Allele frequency attached by ClinVar (database versions not stated): TOPMed below 0.00001; gnomAD 0.00001.
gnomAD v4.1: 9 of 1,612,840 alleles (0.00056%); highest among the groups gnomAD compares: South Asian, 0.0044%; no homozygotes.

Submission:

Labcorp Genetics (formerly Invitae), Labcorp
Classification: Uncertain significance. Last evaluated: 2022-09-14. Review status: criteria provided, single submitter. Criteria: Invitae Variant Classification Sherloc (09022015). Collection method: clinical testing. Allele origin: germline.
Comment: This sequence change replaces leucine, which is neutral and non-polar, with phenylalanine, which is neutral and non-polar, at codon 749 of the TNS2 protein (p.Leu749Phe). The frequency data for this variant in the population databases is considered unreliable, as metrics indicate poor data quality at this position in the gnomAD database. This variant has not been reported in the literature in individuals affected with TNS2-related conditions. Algorithms developed to predict the effect of missense changes on protein structure and function (SIFT, PolyPhen-2, Align-GVGD) all suggest that this variant is likely to be tolerated. In summary, the available evidence is currently insufficient to determine the role of this variant in disease. Therefore, it has been classified as a Variant of Uncertain Significance.